The following is an entry in ClinVar:

NM_001130438.3(SPTAN1):c.5301A>G (p.Glu1767=)

Gene: SPTAN1 (spectrin alpha, non-erythrocytic 1; plus strand). Cytogenetic location: 9q34.11.
Variant type: single nucleotide variant.
Coding change: c.5301A>G on transcript NM_001130438.3 (MANE Select); coding-DNA position 5301, A replaced by G.
Protein change: p.Glu1767=; no amino-acid change (glutamic acid 1767 retained).
Molecular consequence: synonymous variant.
Genome position (GRCh38, 1-based): chr9:128,615,784, A>G. VCF-style: chr9-128615784-A-G. GRCh37 (hg19) VCF-style: chr9-131378063-A-G.
Other names: c.5226A>G, p.Glu1742= (NM_001195532.2); c.5301A>G, p.Glu1767= (NM_001363759.2); c.5241A>G, p.Glu1747= (NM_001363765.2); c.5286A>G, p.Glu1762= (NM_003127.4).
Identifiers: ClinVar variation 389011 (VCV000389011.16), dbSNP rs200641770, ClinGen allele CA5265419.

ClinVar aggregate classification (germline): Likely benign. Review status: criteria provided, multiple submitters, no conflicts (2 of 4 stars). 4 submissions from 4 submitters: Likely benign (3). 1 of the submissions does not count toward it. Last evaluated 2025-10-26.

Conditions:
SPTAN1-related disorder. Also called: SPTAN1-related disorders; SPTAN1-related condition.
Early-infantile DEE. Also called: Early infantile epileptic encephalopathy with suppression bursts; Ohtahara syndrome; Early infantile epileptic encephalopathy. Identifiers: Orphanet 1934, MedGen C0393706, MONDO:0800491.

Allele frequency attached by ClinVar (database versions not stated): gnomAD exomes 0.00002 and 0.00004; ExAC 0.00005; gnomAD 0.00021; TOPMed 0.00047; 1000 Genomes Project 0.00080; 1000 Genomes Project 30x 0.00094.
gnomAD v4.1: 61 of 1,614,232 alleles (0.0038%); highest among the groups gnomAD compares: Admixed American, 0.057%; no homozygotes.

Submissions (4):

Labcorp Genetics (formerly Invitae), Labcorp
Classification: Likely benign for Early-infantile DEE. Last evaluated: 2025-10-26. Review status: criteria provided, single submitter. Criteria: Invitae Variant Classification Sherloc (09022015). Collection method: clinical testing. Allele origin: germline.

Athena Diagnostics
Classification: Likely benign. Last evaluated: 2018-05-23. Review status: criteria provided, single submitter. Criteria: Athena Diagnostics Criteria. Collection method: clinical testing. Allele origin: germline.

GeneDx
Classification: Likely benign. Last evaluated: 2017-10-19. Review status: criteria provided, single submitter. Criteria: GeneDx Variant Classification (06012015). Collection method: clinical testing. Allele origin: germline. Affected: yes.
Comment: This variant is considered likely benign or benign based on one or more of the following criteria: it is a conservative change, it occurs at a poorly conserved position in the protein, it is predicted to be benign by multiple in silico algorithms, and/or has population frequency not consistent with disease.

PreventionGenetics, part of Exact Sciences
Classification: Likely benign for SPTAN1-related condition. Last evaluated: 2020-11-12. Review status: no assertion criteria provided. Collection method: clinical testing. Allele origin: germline. Not counted in ClinVar's aggregate classification.
Comment: This variant is classified as likely benign based on ACMG/AMP sequence variant interpretation guidelines (Richards et al. 2015 PMID: 25741868, with internal and published modifications).